The following is an entry in ClinVar:

ClinVar aggregate classification (germline): Uncertain significance (1 of 4 stars; one submission).

gnomAD v4.1: 40 of 1,569,930 alleles (0.0025%); highest among the groups gnomAD compares: Non-Finnish European, 0.0032%; no homozygotes.

Submission:

Labcorp Genetics (formerly Invitae), Labcorp
Classification: Uncertain significance. Last evaluated: 2024-06-26. Review status: criteria provided, single submitter. Criteria: Invitae Variant Classification Sherloc (09022015). Collection method: clinical testing. Allele origin: germline.
Comment: This sequence change replaces glutamine, which is neutral and polar, with histidine, which is basic and polar, at codon 38 of the SLC25A26 protein (p.Gln38His). The frequency data for this variant in the population databases is considered unreliable, as metrics indicate poor data quality at this position in the gnomAD database. This variant has not been reported in the literature in individuals affected with SLC25A26-related conditions. Algorithms developed to predict the effect of missense changes on protein structure and function output the following: SIFT: "Not Available"; PolyPhen-2: "Benign"; Align-GVGD: "Not Available". The histidine amino acid residue is found in multiple mammalian species, which suggests that this missense change does not adversely affect protein function. In summary, the available evidence is currently insufficient to determine the role of this variant in disease. Therefore, it has been classified as a Variant of Uncertain Significance.

NM_001379210.1(SLC25A26):c.378G>T (p.Gln126His)

Gene: SLC25A26 (solute carrier family 25 member 26; plus strand). Cytogenetic location: 3p14.1.
Variant type: single nucleotide variant.
Coding change: c.378G>T on transcript NM_001379210.1 (MANE Select); coding-DNA position 378, G replaced by T.
Protein change: p.Gln126His; replaces glutamine 126 with histidine.
Molecular consequence: missense variant. On other transcripts: non-coding transcript variant (15).
Genome position (GRCh38, 1-based): chr3:66,262,128, G>T. VCF-style: chr3-66262128-G-T. GRCh37 (hg19) VCF-style: chr3-66312552-G-T.
Other names: c.114G>T, p.Gln38His (NM_001164796.1, NM_001350993.1, NM_001400709.1 and 2 more transcripts); c.378G>T, p.Gln126His (NM_001400705.1, NM_001400707.1, NM_173471.4); short protein forms Q126H, Q38H.
Identifiers: ClinVar variation 3698608 (VCV003698608.2).